The following is an entry in ClinVar:

ClinVar aggregate classification (germline): Pathogenic/Likely pathogenic. Review status: criteria provided, multiple submitters, no conflicts (2 of 4 stars). 2 submissions from 2 submitters: Pathogenic (1); Likely pathogenic (1). Last evaluated 2023-03-23.

Conditions:
Charcot-Marie-Tooth disease type 2. Also called: Charcot-Marie-Tooth type 2. Identifiers: Orphanet 64746, MedGen C0270914, MONDO:0018993.
Neuropathy, hereditary motor and sensory, type 6A (HMSN6A). Also called: NEUROPATHY, HEREDITARY MOTOR AND SENSORY, TYPE VIA; HMSN VIA; CHARCOT-MARIE-TOOTH DISEASE, TYPE 6A; NEUROPATHY, HEREDITARY MOTOR AND SENSORY, TYPE VIA, WITH OPTIC ATROPHY. Identifiers: MedGen CN305336, MONDO:0011002, OMIM 601152.

Submissions (2):

Labcorp Genetics (formerly Invitae), Labcorp
Classification: Pathogenic for Charcot-Marie-Tooth disease type 2. Last evaluated: 2023-03-23. Review status: criteria provided, single submitter. Criteria: Invitae Variant Classification Sherloc (09022015). Collection method: clinical testing. Allele origin: germline.
Comment: This sequence change replaces aspartic acid, which is acidic and polar, with glycine, which is neutral and non-polar, at codon 210 of the MFN2 protein (p.Asp210Gly). This variant is not present in population databases (gnomAD no frequency). This missense change has been observed in individuals with clinical features of autosomal dominant Charcot-Marie-Tooth disease (Invitae). ClinVar contains an entry for this variant (Variation ID: 835548). Advanced modeling of protein sequence and biophysical properties (such as structural, functional, and spatial information, amino acid conservation, physicochemical variation, residue mobility, and thermodynamic stability) performed at Invitae indicates that this missense variant is expected to disrupt MFN2 protein function. This variant disrupts the p.Asp210 amino acid residue in MFN2. Other variant(s) that disrupt this residue have been determined to be pathogenic (PMID: 22189565, 22556188). This suggests that this residue is clinically significant, and that variants that disrupt this residue are likely to be disease-causing. For these reasons, this variant has been classified as Pathogenic.

Victorian Clinical Genetics Services, Murdoch Childrens Research Institute
Classification: Likely pathogenic for Neuropathy, hereditary motor and sensory, type 6A. Last evaluated: 2020-05-26. Review status: criteria provided, single submitter. Criteria: ACMG Guidelines, 2015. Collection method: clinical testing. Allele origin: germline. Affected: yes.
Comment: Based on the classification scheme VCGS_Germline_v1.1.1, this variant is classified as 4 - Likely pathogenic. Following criteria are met: 0102 - Loss-of-function is a known mechanism of disease for this gene. Multiple NMD-predicted variants have previously been reported in this gene and missense variants have also been shown to have loss of function effects (ClinVar; PMID 30606759; PMID 22189565). (N) 0108 - This gene is known to be associated with both recessive and dominant disease. (N) 0112 - Variants in this gene are known to have reduced penetrance (OMIM; PMID 26686600). (N) 0200 - Variant is predicted to result in a missense amino acid change from an aspartic acid to a glycine (exon 7). (N) 0251 - Variant is heterozygous. (N) 0301 - Variant is absent from gnomAD. (P) 0502 - Missense variant with conflicting in silico predictions and/or uninformative conservation. (N) 0601 - Variant affects at least one well-established (essential) functional domain or motif. Functional studies with alternate changes within this residue have been shown to have loss of function effects on mitochondrial function (DLP2 domain) (PMID 30606759; PMID 22189565; PMID 22556188). (P) 0703 - Comparable variants have moderate previous evidence for pathogenicity. Two alternate changes within this residue, p.(Asp210Val) and p.(Asp210Tyr), have been reported in clinical cases (ClinVar; PMID 26686600; PMID 22189565; PMID 22556188). (P) 0807 - Variant has not previously been reported in a clinical context. (N) 0905 - No segregation evidence has been identified for this variant. (N) 1007 - No published functional evidence has been identified for this variant. (N) 1208 - Inheritance information for this variant is not currently available. (N) Legend: (P) - Pathogenic, (N) - Neutral, (B) - Benign

Literature cited by the submitters: PubMed 22189565 (cited by Labcorp Genetics (formerly Invitae), Labcorp and Victorian Clinical Genetics Services, Murdoch Childrens Research Institute); PubMed 22556188 (cited by Labcorp Genetics (formerly Invitae), Labcorp and Victorian Clinical Genetics Services, Murdoch Childrens Research Institute); PubMed 26686600 (cited by Victorian Clinical Genetics Services, Murdoch Childrens Research Institute); PubMed 30606759 (cited by Victorian Clinical Genetics Services, Murdoch Childrens Research Institute).

NM_014874.4(MFN2):c.629A>G (p.Asp210Gly)

Gene: MFN2 (mitofusin 2; plus strand). Cytogenetic location: 1p36.22.
Variant type: single nucleotide variant.
Coding change: c.629A>G on transcript NM_014874.4 (MANE Select); coding-DNA position 629, A replaced by G.
Protein change: p.Asp210Gly; replaces aspartic acid 210 with glycine.
Molecular consequence: missense variant.
Genome position (GRCh38, 1-based): chr1:11,998,799, A>G. VCF-style: chr1-11998799-A-G. GRCh37 (hg19) VCF-style: chr1-12058856-A-G.
Other names: c.629A>G, p.Asp210Gly (NM_001127660.2); short protein forms D210G.
Identifiers: ClinVar variation 835548 (VCV000835548.10), dbSNP rs1639043704, ClinGen allele CA338437864.
Genomic context (GRCh38, chr1:11,998,799, plus strand): 5'-TGATGATTTGGTTTACCCCTGTCACCTTTAGCCCTGGTATTGATGTCACCACAGAGCTGG[A>G]CAGCTGGATTGACAAGTTTTGTCTGGATGCTGATGTGTTTGTGCTGGTGGCCAACTCAGA-3'
Protein context (NP_055689.1, residues 200-220): SPGIDVTTEL[Asp210Gly]SWIDKFCLDA